The following is an entry in ClinVar:

NM_003036.4(SKI):c.460A>C (p.Thr154Pro)

Gene: SKI (SKI proto-oncogene; plus strand). Cytogenetic location: 1p36.33.
Variant type: single nucleotide variant.
Coding change: c.460A>C on transcript NM_003036.4 (MANE Select); coding-DNA position 460, A replaced by C.
Protein change: p.Thr154Pro; replaces threonine 154 with proline.
Molecular consequence: missense variant.
Genome position (GRCh38, 1-based): chr1:2,229,226, A>C. VCF-style: chr1-2229226-A-C. GRCh37 (hg19) VCF-style: chr1-2160665-A-C.
Other names: short protein forms T154P.
Identifiers: ClinVar variation 3954888 (VCV003954888.1).

ClinVar aggregate classification (germline): Uncertain significance (1 of 4 stars; one submission).

Conditions:
Familial thoracic aortic aneurysm and aortic dissection (TAAD). Also called: Thoracic aortic aneurysms and dissections. Identifiers: Orphanet 91387, MedGen C4707243, MONDO:0019625.

Submission:

Ambry Genetics
Classification: Uncertain significance for Familial thoracic aortic aneurysm and aortic dissection. Last evaluated: 2025-05-10. Review status: criteria provided, single submitter. Criteria: Ambry Variant Classification Scheme 2023. Collection method: clinical testing. Allele origin: germline.
Comment: The p.T154P variant (also known as c.460A>C), located in coding exon 1 of the SKI gene, results from an A to C substitution at nucleotide position 460. The threonine at codon 154 is replaced by proline, an amino acid with highly similar properties. This amino acid position is conserved. In addition, this alteration is predicted to be deleterious by in silico analysis. Based on the available evidence, the clinical significance of this variant remains unclear.